The following is an entry in ClinVar:

NM_000742.4(CHRNA2):c.1019C>T (p.Thr340Ile)

Gene: CHRNA2 (cholinergic receptor nicotinic alpha 2 subunit; minus strand). Cytogenetic location: 8p21.2.
Variant type: single nucleotide variant.
Coding change: c.1019C>T on transcript NM_000742.4 (MANE Select); coding-DNA position 1019, C replaced by T.
Protein change: p.Thr340Ile; replaces threonine 340 with isoleucine.
Molecular consequence: missense variant.
Genome position (GRCh38, 1-based): chr8:27,463,424, G>A on the plus strand (C>T on the coding strand, the complement: CHRNA2 is on the minus strand). VCF-style: chr8-27463424-G-A. GRCh37 (hg19) VCF-style: chr8-27320941-G-A.
Other names: c.1019C>T (NM_000742.3); c.974C>T, p.Thr325Ile (NM_001282455.2); c.542C>T, p.Thr181Ile (NM_001347705.2, NM_001347706.2); c.425C>T, p.Thr142Ile (NM_001347707.2, NM_001347708.2); short protein forms T181I, T325I, T340I, T142I.
Identifiers: ClinVar variation 1467113 (VCV001467113.9), dbSNP rs758255768, ClinGen allele CA4689552.
Genomic context (GRCh38, chr8:27,463,424, plus strand): 5'-TGGGTGCTGGGGGAGCGGTGGTGCACATTGAGCACGAAGACGGTGATGACGATGGACAGG[G>A]TGACGAAGATCATGGTGAACAGCAGGTACTCGCCGATGAGCGGGATGACCAGCGAGGTGG-3'
Protein context (NP_000733.2, residues 330-350): EYLLFTMIFV[Thr340Ile]LSIVITVFVL

ClinVar aggregate classification (germline): Conflicting classifications of pathogenicity. Review status: criteria provided, conflicting classifications (1 of 4 stars). 2 submissions from 2 submitters: Uncertain significance (1); Likely benign (1). Last evaluated 2024-03-15.

Conditions:
Familial sleep-related hypermotor epilepsy. Also called: Autosomal Dominant Sleep-Related Hypermotor (Hyperkinetic) Epilepsy. Identifiers: Orphanet 98784, MedGen C3696898, MONDO:0000030.
Inborn genetic diseases. Identifiers: MedGen C0950123, MeSH D030342.

Allele frequency attached by ClinVar (database versions not stated): gnomAD exomes 0.00001 and 0.00002; ExAC 0.00002.

Submissions (2):

Ambry Genetics
Classification: Likely benign for Inborn genetic diseases. Last evaluated: 2024-03-15. Review status: criteria provided, single submitter. Criteria: Ambry Variant Classification Scheme 2023. Collection method: clinical testing. Allele origin: germline.

Labcorp Genetics (formerly Invitae), Labcorp
Classification: Uncertain significance. Last evaluated: 2023-09-25. Review status: criteria provided, single submitter. Criteria: Invitae Variant Classification Sherloc (09022015). Collection method: clinical testing. Allele origin: germline.
Comment: This sequence change replaces threonine, which is neutral and polar, with isoleucine, which is neutral and non-polar, at codon 340 of the CHRNA2 protein (p.Thr340Ile). This variant is present in population databases (rs758255768, gnomAD 0.02%). This variant has not been reported in the literature in individuals affected with CHRNA2-related conditions. ClinVar contains an entry for this variant (Variation ID: 1467113). Advanced modeling of protein sequence and biophysical properties (such as structural, functional, and spatial information, amino acid conservation, physicochemical variation, residue mobility, and thermodynamic stability) performed at Invitae indicates that this missense variant is not expected to disrupt CHRNA2 protein function. In summary, the available evidence is currently insufficient to determine the role of this variant in disease. Therefore, it has been classified as a Variant of Uncertain Significance.